The following is an entry in ClinVar:

NM_003051.4(SLC16A1):c.1067T>A (p.Phe356Tyr)

Gene: SLC16A1 (solute carrier family 16 member 1; minus strand). Cytogenetic location: 1p13.2.
Variant type: single nucleotide variant.
Coding change: c.1067T>A on transcript NM_003051.4 (MANE Select); coding-DNA position 1067, T replaced by A.
Protein change: p.Phe356Tyr; replaces phenylalanine 356 with tyrosine.
Molecular consequence: missense variant.
Genome position (GRCh38, 1-based): chr1:112,917,339, A>T on the plus strand (T>A on the coding strand, the complement: SLC16A1 is on the minus strand). VCF-style: chr1-112917339-A-T. GRCh37 (hg19) VCF-style: chr1-113459961-A-T.
Other names: c.1067T>A (NM_003051.3); c.1067T>A, p.Phe356Tyr (NM_001166496.2); short protein forms F356Y.
Identifiers: ClinVar variation 1979142 (VCV001979142.5), dbSNP rs764586034, ClinGen allele CA1011334.
Genomic context (GRCh38, chr1:112,917,339, plus strand): 5'-TCAAACAATACGGAGCTGAGCCACCCGAAGGCAAATCCAAAGAATCCCGCATAGACACAG[A>T]ATCCAACATAGGTAGTGGATAAAGGTGCTAGCATATGACACACTCCATTTGCAACAACGG-3'
Protein context (NP_003042.3, residues 346-366): LAPLSTTYVG[Phe356Tyr]CVYAGFFGFA

ClinVar aggregate classification (germline): Uncertain significance. Review status: criteria provided, multiple submitters, no conflicts (2 of 4 stars). 2 submissions from 2 submitters: Uncertain significance (2). Last evaluated 2025-12-15.

Conditions:
Inborn genetic diseases. Identifiers: MedGen C0950123, MeSH D030342.

Allele frequency attached by ClinVar (database versions not stated): gnomAD 0.00002; TOPMed 0.00002; gnomAD exomes 0.00003; ExAC 0.00006.
gnomAD v4.1: 22 of 1,614,088 alleles (0.0014%); highest among the groups gnomAD compares: Admixed American, 0.033%; no homozygotes.

Submissions (2):

Ambry Genetics
Classification: Uncertain significance for Inborn genetic diseases. Last evaluated: 2025-12-15. Review status: criteria provided, single submitter. Criteria: Ambry Variant Classification Scheme 2023. Collection method: clinical testing. Allele origin: germline.

Labcorp Genetics (formerly Invitae), Labcorp
Classification: Uncertain significance. Last evaluated: 2025-07-14. Review status: criteria provided, single submitter. Criteria: Invitae Variant Classification Sherloc (09022015). Collection method: clinical testing. Allele origin: germline.
Comment: This sequence change replaces phenylalanine, which is neutral and non-polar, with tyrosine, which is neutral and polar, at codon 356 of the SLC16A1 protein (p.Phe356Tyr). This variant is present in population databases (rs764586034, gnomAD 0.04%). This variant has not been reported in the literature in individuals affected with SLC16A1-related conditions. ClinVar contains an entry for this variant (Variation ID: 1979142). An algorithm developed to predict the effect of missense changes on protein structure and function (PolyPhen-2) suggests that this variant is likely to be disruptive. In summary, the available evidence is currently insufficient to determine the role of this variant in disease. Therefore, it has been classified as a Variant of Uncertain Significance.